The following is an entry in ClinVar:

NM_000169.3(GLA):c.368A>G (p.Tyr123Cys)

Genes: GLA (galactosidase alpha; minus strand), RPL36A-HNRNPH2 (RPL36A-HNRNPH2 readthrough; plus strand). Cytogenetic location: Xq22.1.
Variant type: single nucleotide variant.
Coding change: c.368A>G on transcript NM_000169.3 (MANE Select); coding-DNA position 368, A replaced by G.
Protein change: p.Tyr123Cys; replaces tyrosine 123 with cysteine.
Molecular consequence: missense variant. On other transcripts: non-coding transcript variant (3), intron variant (2).
Genome position (GRCh38, 1-based): chrX:101,403,812, T>C on the plus strand (A>G on the coding strand, the complement: GLA is on the minus strand). VCF-style: chrX-101403812-T-C. GRCh37 (hg19) VCF-style: chrX-100658800-T-C.
Other names: c.491A>G, p.Tyr164Cys (NM_001406747.1, NM_001406749.1); c.368A>G, p.Tyr123Cys (NM_001406748.1); c.301-8124T>C (NM_001199973.2); c.178-8124T>C (NM_001199974.2); short protein forms Y123C, Y164C.
Identifiers: ClinVar variation 2432138 (VCV002432138.7), dbSNP rs2520911807, ClinGen allele CA413932705.

ClinVar aggregate classification (germline): Uncertain significance. Review status: criteria provided, multiple submitters, no conflicts (2 of 4 stars). 3 submissions from 3 submitters: Uncertain significance (3). Last evaluated 2026-09-08.

Conditions:
Fabry disease. Also called: ALPHA-GALACTOSIDASE A DEFICIENCY; ANDERSON-FABRY DISEASE; CERAMIDE TRIHEXOSIDASE DEFICIENCY; Fabry's disease; Ceramide trihexosidosis; GLA DEFICIENCY. Identifiers: Orphanet 324, MedGen C0002986, MONDO:0010526, OMIM 301500, HP:0001071. Disease mechanism: Fabry disease is due to inactivating mutations in the X-linked GLA gene resulting in deficiency of the enzyme Alpha Galactosidase-A., loss of function.

Allele frequency attached by ClinVar (database versions not stated): gnomAD exomes below 0.00001.
gnomAD v4.1: 3 of 1,207,709 alleles (0.00025%); highest among the groups gnomAD compares: Non-Finnish European, 0.00034%; no homozygotes.

Submissions (3):

Genomenon, Inc
Classification: Uncertain significance for Fabry disease. Last evaluated: 2026-09-08. Review status: criteria provided, single submitter. Criteria: Genomenon Sequence Variant Interpretation Standards - Updated. Collection method: curation. Allele origin: germline. Affected: no.
Comment: GLA p.Tyr123Cys (c.368A>G) is a missense variant that changes the amino acid at codon 123 from Tyrosine to Cysteine. This variant has been reported in the published literature (PMID:36156392;27657681). It is absent or not present at a significant frequency in gnomAD. In silico models predict that this variant is possibly or probably damaging. In conclusion, we classify GLA p.Tyr123Cys (c.368A>G) as a variant of uncertain significance.

Labcorp Genetics (formerly Invitae), Labcorp
Classification: Uncertain significance for Fabry disease. Last evaluated: 2026-02-01. Review status: criteria provided, single submitter. Criteria: Invitae Variant Classification Sherloc (09022015). Collection method: clinical testing. Allele origin: germline.
Comment: This sequence change replaces tyrosine, which is neutral and polar, with cysteine, which is neutral and slightly polar, at codon 123 of the GLA protein (p.Tyr123Cys). This variant is not present in population databases (gnomAD no frequency). This variant has not been reported in the literature in individuals affected with GLA-related conditions. ClinVar contains an entry for this variant (Variation ID: 2432138). An algorithm developed to predict the effect of missense changes on protein structure and function (PolyPhen-2) suggests that this variant is likely to be disruptive. Experimental studies have shown that this missense change affects GLA function (PMID: 27657681). In summary, the available evidence is currently insufficient to determine the role of this variant in disease. Therefore, it has been classified as a Variant of Uncertain Significance.

Revvity Omics, Revvity
Classification: Uncertain significance. Last evaluated: 2023-03-07. Review status: criteria provided, single submitter. Criteria: ACMG Guidelines, 2015. Collection method: clinical testing. Allele origin: germline.

Literature cited by the submitters: PubMed 36156392 (cited by Genomenon, Inc); PubMed 27657681 (cited by Genomenon, Inc and Labcorp Genetics (formerly Invitae), Labcorp).